The following is an entry in ClinVar:

ClinVar aggregate classification (germline): Benign. Review status: criteria provided, single submitter (1 of 4 stars). 2 submissions from 2 submitters: Benign (1). 1 of the submissions does not count toward it. Last evaluated 2025-04-17.

Conditions:
CIT-related disorder. Also called: CIT-related condition.

Allele frequency attached by ClinVar (database versions not stated): 1000 Genomes Project 30x 0.00016; 1000 Genomes Project 0.00020; ExAC 0.00020; gnomAD exomes 0.00022 and 0.00023; ESP Exome Variant Server 0.00023; gnomAD 0.00025; TOPMed 0.00032.
gnomAD v4.1: 349 of 1,613,064 alleles (0.022%); highest among the groups gnomAD compares: East Asian, 0.21%; 2 homozygotes.

Submissions (2):

Labcorp Genetics (formerly Invitae), Labcorp
Classification: Benign. Last evaluated: 2025-04-17. Review status: criteria provided, single submitter. Criteria: Invitae Variant Classification Sherloc (09022015). Collection method: clinical testing. Allele origin: germline.

PreventionGenetics, part of Exact Sciences
Classification: Likely benign for CIT-related condition. Last evaluated: 2019-04-16. Review status: no assertion criteria provided. Collection method: clinical testing. Allele origin: germline. Not counted in ClinVar's aggregate classification.
Comment: This variant is classified as likely benign based on ACMG/AMP sequence variant interpretation guidelines (Richards et al. 2015 PMID: 25741868, with internal and published modifications).

NM_001206999.2(CIT):c.2847G>A (p.Ala949=)

Gene: CIT (citron rho-interacting serine/threonine kinase; minus strand). Cytogenetic location: 12q24.23.
Variant type: single nucleotide variant.
Coding change: c.2847G>A on transcript NM_001206999.2 (MANE Select); coding-DNA position 2847, G replaced by A.
Protein change: p.Ala949=; no amino-acid change (alanine 949 retained).
Molecular consequence: synonymous variant.
Genome position (GRCh38, 1-based): chr12:119,752,107, C>T on the plus strand (G>A on the coding strand, the complement: CIT is on the minus strand). VCF-style: chr12-119752107-C-T. GRCh37 (hg19) VCF-style: chr12-120189912-C-T.
Other names: c.2721G>A, p.Ala907= (NM_007174.3).
Identifiers: ClinVar variation 740196 (VCV000740196.10), dbSNP rs186244485, ClinGen allele CA6821667.